The following is an entry in ClinVar:

NM_003924.4(PHOX2B):c.279C>G (p.Asn93Lys)

Gene: PHOX2B (paired like homeobox 2B; minus strand). Cytogenetic location: 4p13.
Variant type: single nucleotide variant.
Coding change: c.279C>G on transcript NM_003924.4 (MANE Select); coding-DNA position 279, C replaced by G.
Protein change: p.Asn93Lys; replaces asparagine 93 with lysine.
Molecular consequence: missense variant.
Genome position (GRCh38, 1-based): chr4:41,747,499, G>C on the plus strand (C>G on the coding strand, the complement: PHOX2B is on the minus strand). VCF-style: chr4-41747499-G-C. GRCh37 (hg19) VCF-style: chr4-41749516-G-C.
Other names: short protein forms N93K.
Identifiers: ClinVar variation 963893 (VCV000963893.14), dbSNP rs1459081022, ClinGen allele CA356740480.
Genomic context (GRCh38, chr4:41,747,499, plus strand): 5'-CAGCTCTTTGAGCTGGGCACTGGTGAAAGTGGTGCGGATGCGCCGCTGCTTGCGCTTCTC[G>C]TTGAGGCCGCCGTGGTCCGTGAAGAGTTTGTAAGGAACTAGAGTATGACAGAGGAGACAG-3'
Protein context (NP_003915.2, residues 83-103): YKLFTDHGGL[Asn93Lys]EKRKQRRIRT

ClinVar aggregate classification (germline): Uncertain significance. Review status: criteria provided, multiple submitters, no conflicts (2 of 4 stars). 3 submissions from 3 submitters: Uncertain significance (3). Last evaluated 2025-03-12.

Conditions:
Hereditary cancer-predisposing syndrome. Also called: Tumor predisposition; Hereditary neoplastic syndrome; Hereditary Cancer Syndrome; Neoplastic Syndromes, Hereditary. Identifiers: Orphanet 140162, MedGen C0027672, MeSH D009386, MONDO:0015356.
Neuroblastoma, susceptibility to, 2. Identifiers: Orphanet 635, MedGen C2751682, MONDO:0700041, OMIM 613013.
Haddad syndrome (OHD). Also called: Ondine-Hirschsprung disease. Identifiers: Orphanet 99803, MedGen C1859049, MONDO:0020493.

Allele frequency attached by ClinVar (database versions not stated): gnomAD 0.00001; TOPMed 0.00002.
gnomAD v4.1: 3 of 1,610,092 alleles (0.00019%); highest among the groups gnomAD compares: Non-Finnish European, 0.00025%; no homozygotes.

Submissions (3):

Ambry Genetics
Classification: Uncertain significance for Hereditary cancer-predisposing syndrome. Last evaluated: 2025-03-12. Review status: criteria provided, single submitter. Criteria: Ambry Variant Classification Scheme 2023. Collection method: clinical testing. Allele origin: germline.
Comment: The p.N93K variant (also known as c.279C>G), located in coding exon 2 of the PHOX2B gene, results from a C to G substitution at nucleotide position 279. The asparagine at codon 93 is replaced by lysine, an amino acid with similar properties. This amino acid position is highly conserved in available vertebrate species. In addition, the in silico prediction for this alteration is inconclusive. Based on the available evidence, the clinical significance of this variant remains unclear.

Baylor Genetics
Classification: Uncertain significance for Neuroblastoma, susceptibility to, 2. Last evaluated: 2024-02-10. Review status: criteria provided, single submitter. Criteria: ACMG Guidelines, 2015. Collection method: clinical testing. Allele origin: unknown.

Labcorp Genetics (formerly Invitae), Labcorp
Classification: Uncertain significance for Haddad syndrome. Last evaluated: 2023-08-02. Review status: criteria provided, single submitter. Criteria: Invitae Variant Classification Sherloc (09022015). Collection method: clinical testing. Allele origin: germline.
Comment: This variant has not been reported in the literature in individuals affected with PHOX2B-related conditions. ClinVar contains an entry for this variant (Variation ID: 963893). Advanced modeling of protein sequence and biophysical properties (such as structural, functional, and spatial information, amino acid conservation, physicochemical variation, residue mobility, and thermodynamic stability) performed at Invitae indicates that this missense variant is not expected to disrupt PHOX2B protein function. In summary, the available evidence is currently insufficient to determine the role of this variant in disease. Therefore, it has been classified as a Variant of Uncertain Significance. This variant is not present in population databases (gnomAD no frequency). This sequence change replaces asparagine, which is neutral and polar, with lysine, which is basic and polar, at codon 93 of the PHOX2B protein (p.Asn93Lys).